The following is an entry in ClinVar:

NM_000372.5(TYR):c.94G>T (p.Glu32Ter)

Gene: TYR (tyrosinase; plus strand). Cytogenetic location: 11q14.3.
Variant type: single nucleotide variant.
Coding change: c.94G>T on transcript NM_000372.5 (MANE Select); coding-DNA position 94, G replaced by T.
Protein change: p.Glu32Ter; replaces glutamic acid 32 with a stop codon.
Molecular consequence: nonsense.
Genome position (GRCh38, 1-based): chr11:89,178,047, G>T. VCF-style: chr11-89178047-G-T. GRCh37 (hg19) VCF-style: chr11-88911215-G-T.
Other names: short protein forms E32*.
Identifiers: ClinVar variation 1447050 (VCV001447050.6), dbSNP rs1052900893, ClinGen allele CA226290057.

ClinVar aggregate classification (germline): Pathogenic (1 of 4 stars; one submission).

Allele frequency attached by ClinVar (database versions not stated): gnomAD exomes below 0.00001; TOPMed below 0.00001.
gnomAD v4.1: 1 of 1,614,202 alleles (0.000062%); highest among the groups gnomAD compares: Admixed American, 0.0017%; no homozygotes.

Submission:

Labcorp Genetics (formerly Invitae), Labcorp
Classification: Pathogenic. Last evaluated: 2025-03-17. Review status: criteria provided, single submitter. Criteria: Invitae Variant Classification Sherloc (09022015). Collection method: clinical testing. Allele origin: germline.
Comment: This sequence change creates a premature translational stop signal (p.Glu32*) in the TYR gene. It is expected to result in an absent or disrupted protein product. Loss-of-function variants in TYR are known to be pathogenic (PMID: 23504663). This variant is present in population databases (no rsID available, gnomAD 0.003%). This variant has not been reported in the literature in individuals affected with TYR-related conditions. ClinVar contains an entry for this variant (Variation ID: 1447050). For these reasons, this variant has been classified as Pathogenic.

Literature cited by the submitters: PubMed 23504663.